The following is an entry in ClinVar:

ClinVar aggregate classification (germline): Uncertain significance (1 of 4 stars; one submission).

Conditions:
Inborn genetic diseases. Identifiers: MedGen C0950123, MeSH D030342.

Submission:

Ambry Genetics
Classification: Uncertain significance for Inborn genetic diseases. Last evaluated: 2026-03-03. Review status: criteria provided, single submitter. Criteria: Ambry Variant Classification Scheme 2023. Collection method: clinical testing. Allele origin: germline.
Comment: The p.I16F variant (also known as c.46A>T), located in coding exon 1 of the FANCM gene, results from an A to T substitution at nucleotide position 46. The isoleucine at codon 16 is replaced by phenylalanine, an amino acid with highly similar properties. This amino acid position is conserved. In addition, this alteration is predicted to be tolerated by in silico analysis. Based on the available evidence, the clinical significance of this variant remains unclear.

NM_020937.4(FANCM):c.46A>T (p.Ile16Phe)

Gene: FANCM (FA complementation group M; plus strand). Cytogenetic location: 14q21.2.
Variant type: single nucleotide variant.
Coding change: c.46A>T on transcript NM_020937.4 (MANE Select); coding-DNA position 46, A replaced by T.
Protein change: p.Ile16Phe; replaces isoleucine 16 with phenylalanine.
Molecular consequence: missense variant.
Genome position (GRCh38, 1-based): chr14:45,136,077, A>T. VCF-style: chr14-45136077-A-T. GRCh37 (hg19) VCF-style: chr14-45605280-A-T.
Other names: c.46A>T, p.Ile16Phe (NM_001308133.2, NM_001308134.2); short protein forms I16F.
Identifiers: ClinVar variation 4826015 (VCV004826015.1).